The following is an entry in ClinVar:

ClinVar aggregate classification (germline): Uncertain significance (1 of 4 stars; one submission).

Conditions:
ADCY3-related disorder. Also called: ADCY3-related condition.

Submission:

PreventionGenetics, part of Exact Sciences
Classification: Uncertain significance for ADCY3-related condition. Last evaluated: 2025-09-18. Review status: criteria provided, single submitter. Criteria: ACMG Guidelines, 2015. Collection method: clinical testing. Allele origin: germline.
Comment: The ADCY3 c.1415C>T variant is predicted to result in the amino acid substitution p.Pro472Leu. To our knowledge, this variant has not been reported in the literature or in a large population database (gnomAD), indicating this variant is rare. At this time, the clinical significance of this variant is uncertain due to the absence of conclusive functional and genetic evidence.

NM_004036.5(ADCY3):c.1415C>T (p.Pro472Leu)

Gene: ADCY3 (adenylate cyclase 3; minus strand). Cytogenetic location: 2p23.3.
Variant type: single nucleotide variant.
Coding change: c.1415C>T on transcript NM_004036.5 (MANE Select); coding-DNA position 1415, C replaced by T.
Protein change: p.Pro472Leu; replaces proline 472 with leucine.
Molecular consequence: missense variant.
Genome position (GRCh38, 1-based): chr2:24,838,563, G>A on the plus strand (C>T on the coding strand, the complement: ADCY3 is on the minus strand). VCF-style: chr2-24838563-G-A. GRCh37 (hg19) VCF-style: chr2-25061432-G-A.
Other names: c.1415C>T, p.Pro472Leu (NM_001377132.1, NM_001320613.2, NM_001377129.1 and 1 more transcripts); c.1481C>T, p.Pro494Leu (NM_001377128.1); c.692C>T, p.Pro231Leu (NM_001377131.1); short protein forms P231L, P472L, P494L.
Identifiers: ClinVar variation 4993460 (VCV004993460.1).